The following is an entry in ClinVar:

ClinVar aggregate classification (germline): Uncertain significance (1 of 4 stars; one submission).

Allele frequency attached by ClinVar (database versions not stated): TOPMed below 0.00001; gnomAD exomes 0.00001; ExAC 0.00003.

Submission:

Labcorp Genetics (formerly Invitae), Labcorp
Classification: Uncertain significance. Last evaluated: 2022-06-28. Review status: criteria provided, single submitter. Criteria: Invitae Variant Classification Sherloc (09022015). Collection method: clinical testing. Allele origin: germline.
Comment: This sequence change replaces lysine, which is basic and polar, with arginine, which is basic and polar, at codon 107 of the DENND5A protein (p.Lys107Arg). This variant is present in population databases (rs200526777, gnomAD 0.003%). This variant has not been reported in the literature in individuals affected with DENND5A-related conditions. Algorithms developed to predict the effect of missense changes on protein structure and function (SIFT, PolyPhen-2, Align-GVGD) all suggest that this variant is likely to be tolerated. In summary, the available evidence is currently insufficient to determine the role of this variant in disease. Therefore, it has been classified as a Variant of Uncertain Significance.

NM_015213.4(DENND5A):c.320A>G (p.Lys107Arg)

Gene: DENND5A (DENN domain containing 5A; minus strand). Cytogenetic location: 11p15.4.
Variant type: single nucleotide variant.
Coding change: c.320A>G on transcript NM_015213.4 (MANE Select); coding-DNA position 320, A replaced by G.
Protein change: p.Lys107Arg; replaces lysine 107 with arginine.
Molecular consequence: missense variant. On other transcripts: non-coding transcript variant (1).
Genome position (GRCh38, 1-based): chr11:9,204,289, T>C on the plus strand (A>G on the coding strand, the complement: DENND5A is on the minus strand). VCF-style: chr11-9204289-T-C. GRCh37 (hg19) VCF-style: chr11-9225836-T-C.
Other names: c.320A>G, p.Lys107Arg (NM_001243254.2, NM_001348748.1); c.248A>G, p.Lys83Arg (NM_001348749.2); c.32A>G, p.Lys11Arg (NM_001348750.2); short protein forms K83R, K107R, K11R.
Identifiers: ClinVar variation 1909633 (VCV001909633.2), dbSNP rs200526777, ClinGen allele CA5877836.